The following is an entry in ClinVar:

ClinVar aggregate classification (germline): Uncertain significance. Review status: criteria provided, multiple submitters, no conflicts (2 of 4 stars). 2 submissions from 2 submitters: Uncertain significance (2). Last evaluated 2022-11-23.

Allele frequency attached by ClinVar (database versions not stated): gnomAD exomes below 0.00001; gnomAD 0.00003; TOPMed 0.00003.
gnomAD v4.1: 7 of 1,613,954 alleles (0.00043%); highest among the groups gnomAD compares: Admixed American, 0.0083%; no homozygotes.

Submissions (2):

Labcorp Genetics (formerly Invitae), Labcorp
Classification: Uncertain significance. Last evaluated: 2022-11-23. Review status: criteria provided, single submitter. Criteria: Invitae Variant Classification Sherloc (09022015). Collection method: clinical testing. Allele origin: germline.
Comment: In summary, the available evidence is currently insufficient to determine the role of this variant in disease. Therefore, it has been classified as a Variant of Uncertain Significance. Advanced modeling of protein sequence and biophysical properties (such as structural, functional, and spatial information, amino acid conservation, physicochemical variation, residue mobility, and thermodynamic stability) performed at Invitae indicates that this missense variant is not expected to disrupt SEMA4A protein function. This variant has not been reported in the literature in individuals affected with SEMA4A-related conditions. This variant is present in population databases (no rsID available, gnomAD no frequency). This sequence change replaces valine, which is neutral and non-polar, with glutamic acid, which is acidic and polar, at codon 409 of the SEMA4A protein (p.Val409Glu).

Blueprint Genetics
Classification: Uncertain significance. Last evaluated: 2022-09-01. Review status: criteria provided, single submitter. Criteria: ACMG Guidelines, 2015. Collection method: clinical testing. Allele origin: germline.

NM_022367.4(SEMA4A):c.1226T>A (p.Val409Glu)

Gene: SEMA4A (semaphorin 4A; plus strand). Cytogenetic location: 1q22.
Variant type: single nucleotide variant.
Coding change: c.1226T>A on transcript NM_022367.4 (MANE Select); coding-DNA position 1226, T replaced by A.
Protein change: p.Val409Glu; replaces valine 409 with glutamic acid.
Molecular consequence: missense variant.
Genome position (GRCh38, 1-based): chr1:156,172,917, T>A. VCF-style: chr1-156172917-T-A. GRCh37 (hg19) VCF-style: chr1-156142708-T-A.
Other names: c.1226T>A, p.Val409Glu (NM_001193300.2, NM_001193301.2, NM_001370567.1); c.830T>A, p.Val277Glu (NM_001193302.2); c.929T>A, p.Val310Glu (NM_001370568.1); c.719T>A, p.Val240Glu (NM_001370569.1, NM_001370571.1); short protein forms V409E, V277E, V240E, V310E.
Identifiers: ClinVar variation 3009865 (VCV003009865.4), dbSNP rs987629711, ClinGen allele CA31001061.